The following is an entry in ClinVar:

NM_001130004.2(ACTN1):c.244C>A (p.Arg82=)

Gene: ACTN1 (actinin alpha 1; minus strand). Cytogenetic location: 14q24.1.
Variant type: single nucleotide variant.
Coding change: c.244C>A on transcript NM_001130004.2 (MANE Select); coding-DNA position 244, C replaced by A.
Protein change: p.Arg82=; no amino-acid change (arginine 82 retained).
Molecular consequence: synonymous variant.
Genome position (GRCh38, 1-based): chr14:68,921,102, G>T on the plus strand (C>A on the coding strand, the complement: ACTN1 is on the minus strand). VCF-style: chr14-68921102-G-T. GRCh37 (hg19) VCF-style: chr14-69387819-G-T.
Other names: c.244C>A, p.Arg82= (NM_001102.4, NM_001130005.2, NM_001411035.1); c.49C>A, p.Arg17= (NM_001411036.1).
Identifiers: ClinVar variation 2084646 (VCV002084646.29), dbSNP rs149484448, ClinGen allele CA7242759.

ClinVar aggregate classification (germline): Likely benign. Review status: criteria provided, multiple submitters, no conflicts (2 of 4 stars). 3 submissions from 3 submitters: Likely benign (3). Last evaluated 2025-10-01.

Allele frequency attached by ClinVar (database versions not stated): ExAC 0.00006; ESP Exome Variant Server 0.00015; 1000 Genomes Project 30x 0.00062; 1000 Genomes Project 0.00080.
gnomAD v4.1: 64 of 1,614,120 alleles (0.004%); highest among the groups gnomAD compares: Middle Eastern, 0.082%; 1 homozygote.

Submissions (3):

CeGaT Center for Human Genetics Tuebingen
Classification: Likely benign. Last evaluated: 2025-10-01. Review status: criteria provided, single submitter. Criteria: CeGaT Center For Human Genetics Tuebingen Variant Classification Criteria Version 2. Collection method: clinical testing. Allele origin: germline. Affected: yes. Observed: 2 variant alleles.
Comment: ACTN1: BP4, BP7

Labcorp Genetics (formerly Invitae), Labcorp
Classification: Likely benign. Last evaluated: 2025-09-11. Review status: criteria provided, single submitter. Criteria: Invitae Variant Classification Sherloc (09022015). Collection method: clinical testing. Allele origin: germline.

Blueprint Genetics
Classification: Likely benign. Last evaluated: 2024-06-27. Review status: criteria provided, single submitter. Criteria: ACMG Guidelines, 2015. Collection method: clinical testing. Allele origin: germline.